The following is an entry in ClinVar:

ClinVar aggregate classification (germline): Uncertain significance. Review status: criteria provided, multiple submitters, no conflicts (2 of 4 stars). 4 submissions from 4 submitters: Uncertain significance (4). Last evaluated 2026-01-31.

Conditions:
Rhabdoid tumor predisposition syndrome 2 (RTPS2). Identifiers: Orphanet 231108, Orphanet 69077, MedGen C2750074, MONDO:0013224, OMIM 613325.
Hereditary cancer-predisposing syndrome. Also called: Tumor predisposition; Hereditary neoplastic syndrome; Hereditary Cancer Syndrome; Neoplastic Syndromes, Hereditary. Identifiers: Orphanet 140162, MedGen C0027672, MeSH D009386, MONDO:0015356.
Intellectual disability, autosomal dominant 16 (CSS4). Also called: COFFIN-SIRIS SYNDROME 4. Identifiers: Orphanet 1465, MedGen C3553249, MONDO:0013821, OMIM 614609.

Allele frequency attached by ClinVar (database versions not stated): TOPMed below 0.00001; gnomAD 0.00001.
gnomAD v4.1: 1 of 1,610,802 alleles (0.000062%); highest among the groups gnomAD compares: East Asian, 0.0022%; no homozygotes.

Submissions (4):

Labcorp Genetics (formerly Invitae), Labcorp
Classification: Uncertain significance for Rhabdoid tumor predisposition syndrome 2. Last evaluated: 2026-01-31. Review status: criteria provided, single submitter. Criteria: Invitae Variant Classification Sherloc (09022015). Collection method: clinical testing. Allele origin: germline.
Comment: This sequence change replaces methionine, which is neutral and non-polar, with isoleucine, which is neutral and non-polar, at codon 42 of the SMARCA4 protein (p.Met42Ile). This variant is not present in population databases (gnomAD no frequency). This variant has not been reported in the literature in individuals affected with SMARCA4-related conditions. ClinVar contains an entry for this variant (Variation ID: 238369). Invitae Evidence Modeling of protein sequence and biophysical properties (such as structural, functional, and spatial information, amino acid conservation, physicochemical variation, residue mobility, and thermodynamic stability) indicates that this missense variant is not expected to disrupt SMARCA4 protein function with a negative predictive value of 80%. In summary, the available evidence is currently insufficient to determine the role of this variant in disease. Therefore, it has been classified as a Variant of Uncertain Significance.

Ambry Genetics
Classification: Uncertain significance for Hereditary cancer-predisposing syndrome. Last evaluated: 2025-12-17. Review status: criteria provided, single submitter. Criteria: Ambry Variant Classification Scheme 2023. Collection method: clinical testing. Allele origin: germline.
Comment: The p.M42I variant (also known as c.126G>A), located in coding exon 1 of the SMARCA4 gene, results from a G to A substitution at nucleotide position 126. The methionine at codon 42 is replaced by isoleucine, an amino acid with highly similar properties. This amino acid position is highly conserved in available vertebrate species. In addition, the in silico prediction for this alteration is inconclusive. Missense and in-frame variants in SMARCA4 are known to cause neurodevelopmental disorders; however, such associations with rhabdoid tumor predisposition syndrome including small cell carcinoma of the ovary-hypercalcemic type (SCCOHT) are exceedingly rare (Kosho T et al. Am J Med Genet C Semin Med Genet. 2014 Sep;166C(3):262-75; Jelinic P et al. Nat Genet. 2014 May;46(5):424-6). Based on the supporting evidence, the association of this alteration with Coffin-Siris syndrome is unknown; however, the association of this alteration with rhabdoid tumor predisposition syndrome is unlikely.

Revvity Omics, Revvity
Classification: Uncertain significance for Intellectual disability, autosomal dominant 16. Last evaluated: 2025-01-14. Review status: criteria provided, single submitter. Criteria: ACMG Guidelines, 2015. Collection method: clinical testing. Allele origin: germline.

St. Jude Molecular Pathology, St. Jude Children's Research Hospital
Classification: Uncertain significance for Rhabdoid tumor predisposition syndrome 2. Last evaluated: 2024-04-13. Review status: criteria provided, single submitter. Criteria: St. Jude Assertion Criteria 2020. Collection method: clinical testing. Allele origin: germline.
Comment: The SMARCA4 c.126G>A (p.Met42Ile) missense change is absent in gnomAD v2.1.1. The in silico tool REVEL is inconclusive about a pathogenic or benign effect of this variant on protein function, and functional studies have not been performed. This variant has not been reported in individuals with rhabdoid tumor predisposition syndrome. In summary, the evidence currently available is insufficient to determine the clinical significance of this variant. It has therefore been classified as of uncertain significance.

NM_003072.5(SMARCA4):c.126G>A (p.Met42Ile)

Gene: SMARCA4 (SWI/SNF related BAF chromatin remodeling complex subunit ATPase 4; plus strand). Cytogenetic location: 19p13.2.
Variant type: single nucleotide variant.
Coding change: c.126G>A on transcript NM_003072.5 (MANE Select); coding-DNA position 126, G replaced by A.
Protein change: p.Met42Ile; replaces methionine 42 with isoleucine.
Molecular consequence: missense variant. On other transcripts: non-coding transcript variant (1).
Genome position (GRCh38, 1-based): chr19:10,984,277, G>A. VCF-style: chr19-10984277-G-A. GRCh37 (hg19) VCF-style: chr19-11094953-G-A.
Other names: c.126G>A, p.Met42Ile (NM_001128844.3, NM_001128845.2, NM_001128846.2 and 5 more transcripts); c.126G>A (NM_001128849.2); short protein forms M42I.
Identifiers: ClinVar variation 238369 (VCV000238369.16), dbSNP rs765325777, ClinGen allele CA10583710.